The following is an entry in ClinVar:

NM_014271.4(IL1RAPL1):c.1004A>T (p.Tyr335Phe)

Gene: IL1RAPL1 (interleukin 1 receptor accessory protein like 1; plus strand). Cytogenetic location: Xp21.2.
Variant type: single nucleotide variant.
Coding change: c.1004A>T on transcript NM_014271.4 (MANE Select); coding-DNA position 1004, A replaced by T.
Protein change: p.Tyr335Phe; replaces tyrosine 335 with phenylalanine.
Molecular consequence: missense variant.
Genome position (GRCh38, 1-based): chrX:29,920,041, A>T. VCF-style: chrX-29920041-A-T. GRCh37 (hg19) VCF-style: chrX-29938158-A-T.
Other names: short protein forms Y335F.
Identifiers: ClinVar variation 4845512 (VCV004845512.1).

ClinVar aggregate classification (germline): Uncertain significance (1 of 4 stars; one submission).

gnomAD v4.1: 1 of 1,209,126 alleles (0.000083%); highest among the groups gnomAD compares: African/African-American, 0.0017%; no homozygotes.

Submission:

Greenwood Genetic Center Diagnostic Laboratories, Greenwood Genetic Center
Classification: Uncertain significance. Last evaluated: 2025-12-08. Review status: criteria provided, single submitter. Criteria: ACMG Guidelines, 2015. Collection method: clinical testing. Allele origin: germline. Affected: yes.
Comment: PM2